The following is an entry in ClinVar:

ClinVar aggregate classification (germline): Uncertain significance (1 of 4 stars; one submission).

Conditions:
Leber congenital amaurosis 7 (LCA7). Identifiers: Orphanet 65, MedGen C3151192, MONDO:0013449, OMIM 613829.
Cone-rod dystrophy 2 (CORD2). Also called: CONE-ROD RETINAL DYSTROPHY; Cone-rod retinal dystrophy 2. Identifiers: Orphanet 1872, MedGen C3489532, MONDO:0007362, OMIM 120970.

Allele frequency attached by ClinVar (database versions not stated): gnomAD exomes below 0.00001; TOPMed below 0.00001; gnomAD 0.00001.
gnomAD v4.1: 2 of 1,613,820 alleles (0.00012%); highest among the groups gnomAD compares: African/African-American, 0.0013%; no homozygotes.

Submission:

Labcorp Genetics (formerly Invitae), Labcorp
Classification: Uncertain significance for Cone-rod dystrophy 2; Leber congenital amaurosis 7. Last evaluated: 2023-08-04. Review status: criteria provided, single submitter. Criteria: Invitae Variant Classification Sherloc (09022015). Collection method: clinical testing. Allele origin: germline.
Comment: In summary, the available evidence is currently insufficient to determine the role of this variant in disease. Therefore, it has been classified as a Variant of Uncertain Significance. Advanced modeling of protein sequence and biophysical properties (such as structural, functional, and spatial information, amino acid conservation, physicochemical variation, residue mobility, and thermodynamic stability) performed at Invitae indicates that this missense variant is not expected to disrupt CRX protein function. ClinVar contains an entry for this variant (Variation ID: 2124452). This variant has not been reported in the literature in individuals affected with CRX-related conditions. This variant is not present in population databases (gnomAD no frequency). This sequence change replaces tyrosine, which is neutral and polar, with cysteine, which is neutral and slightly polar, at codon 258 of the CRX protein (p.Tyr258Cys).

NM_000554.6(CRX):c.773A>G (p.Tyr258Cys)

Gene: CRX (cone-rod homeobox; plus strand). Cytogenetic location: 19q13.33.
Variant type: single nucleotide variant.
Coding change: c.773A>G on transcript NM_000554.6 (MANE Select); coding-DNA position 773, A replaced by G.
Protein change: p.Tyr258Cys; replaces tyrosine 258 with cysteine.
Molecular consequence: missense variant.
Genome position (GRCh38, 1-based): chr19:47,839,840, A>G. VCF-style: chr19-47839840-A-G. GRCh37 (hg19) VCF-style: chr19-48343097-A-G.
Other names: short protein forms Y258C.
Identifiers: ClinVar variation 2124452 (VCV002124452.4), dbSNP rs1968173103, ClinGen allele CA406631761.